The following is an entry in ClinVar:

NM_004360.5(CDH1):c.-47C>T

Genes: CDH1 (cadherin 1; plus strand), LOC130059290 (ATAC-STARR-seq lymphoblastoid silent region 7650; plus strand). Cytogenetic location: 16q22.1.
Variant type: single nucleotide variant.
Coding change: c.-47C>T on transcript NM_004360.5 (MANE Select); 47 bases upstream of the start codon, C replaced by T.
Molecular consequence: 5 prime UTR variant.
Genome position (GRCh38, 1-based): chr16:68,737,369, C>T. VCF-style: chr16-68737369-C-T. GRCh37 (hg19) VCF-style: chr16-68771272-C-T.
Other names: c.-47C>T (LRG_301t1, NM_001317184.2); c.-1662C>T (NM_001317185.2); c.-1866C>T (NM_001317186.2).
Identifiers: ClinVar variation 423008 (VCV000423008.1), dbSNP rs1064796160, ClinGen allele CA16620224.

ClinVar aggregate classification (germline): Likely benign (1 of 4 stars; one submission).

Allele frequency attached by ClinVar (database versions not stated): gnomAD exomes below 0.00001; TOPMed below 0.00001.
gnomAD v4.1: 5 of 1,511,614 alleles (0.00033%); highest among the groups gnomAD compares: Non-Finnish European, 0.00044%; no homozygotes.

Submission:

GeneDx
Classification: Likely benign. Last evaluated: 2017-08-07. Review status: criteria provided, single submitter. Criteria: GeneDx Variant Classification (06012015). Collection method: clinical testing. Allele origin: germline. Affected: yes.
Comment: This variant is considered likely benign or benign based on one or more of the following criteria: it is a conservative change, it occurs at a poorly conserved position in the protein, it is predicted to be benign by multiple in silico algorithms, and/or has population frequency not consistent with disease.